The following is an entry in ClinVar:

NM_018297.4(NGLY1):c.406A>G (p.Thr136Ala)

Gene: NGLY1 (N-glycanase 1; minus strand). Cytogenetic location: 3p24.2.
Variant type: single nucleotide variant.
Coding change: c.406A>G on transcript NM_018297.4 (MANE Select); coding-DNA position 406, A replaced by G.
Protein change: p.Thr136Ala; replaces threonine 136 with alanine.
Molecular consequence: missense variant.
Genome position (GRCh38, 1-based): chr3:25,764,152, T>C on the plus strand (A>G on the coding strand, the complement: NGLY1 is on the minus strand). VCF-style: chr3-25764152-T-C. GRCh37 (hg19) VCF-style: chr3-25805643-T-C.
Other names: c.406A>G, p.Thr136Ala (NM_001145293.2, NM_001145295.2); c.280A>G, p.Thr94Ala (NM_001145294.2); short protein forms T136A, T94A.
Identifiers: ClinVar variation 575909 (VCV000575909.6), dbSNP rs1559551887, ClinGen allele CA351908874.

ClinVar aggregate classification (germline): Uncertain significance. Review status: criteria provided, multiple submitters, no conflicts (2 of 4 stars). 2 submissions from 2 submitters: Uncertain significance (2). Last evaluated 2022-12-05.

Conditions:
Congenital disorder of deglycosylation (CDDG). Identifiers: MedGen C3808991, MONDO:0031376.

Submissions (2):

GeneDx
Classification: Uncertain significance. Last evaluated: 2022-12-05. Review status: criteria provided, single submitter. Criteria: GeneDx Variant Classification Process June 2021. Collection method: clinical testing. Allele origin: germline. Affected: yes.
Comment: Not observed at significant frequency in large population cohorts (gnomAD); In silico analysis supports that this missense variant does not alter protein structure/function; Has not been previously published as pathogenic or benign to our knowledge

Labcorp Genetics (formerly Invitae), Labcorp
Classification: Uncertain significance for Congenital disorder of deglycosylation. Last evaluated: 2022-08-16. Review status: criteria provided, single submitter. Criteria: Invitae Variant Classification Sherloc (09022015). Collection method: clinical testing. Allele origin: germline.
Comment: ClinVar contains an entry for this variant (Variation ID: 575909). This variant has not been reported in the literature in individuals affected with NGLY1-related conditions. This variant is not present in population databases (gnomAD no frequency). This sequence change replaces threonine, which is neutral and polar, with alanine, which is neutral and non-polar, at codon 136 of the NGLY1 protein (p.Thr136Ala). Algorithms developed to predict the effect of missense changes on protein structure and function output the following: SIFT: "Tolerated"; PolyPhen-2: "Benign"; Align-GVGD: "Class C0". The alanine amino acid residue is found in multiple mammalian species, which suggests that this missense change does not adversely affect protein function. In summary, the available evidence is currently insufficient to determine the role of this variant in disease. Therefore, it has been classified as a Variant of Uncertain Significance.